The following is an entry in ClinVar:

ClinVar aggregate classification (germline): Conflicting classifications of pathogenicity. Review status: criteria provided, conflicting classifications (1 of 4 stars). 2 submissions from 2 submitters: Uncertain significance (1); Likely benign (1). Last evaluated 2026-08-01.

Conditions:
Erythrocyte AMP deaminase deficiency. Identifiers: Orphanet 45, MedGen C2752073, OMIM 612874, MONDO:0020734.

Allele frequency attached by ClinVar (database versions not stated): gnomAD below 0.00001 and 0.00009; TOPMed 0.00001; gnomAD exomes 0.00007 and 0.00012; ExAC 0.00016; 1000 Genomes Project 30x 0.00047; 1000 Genomes Project 0.00060.

Submissions (2):

CeGaT Center for Human Genetics Tuebingen
Classification: Likely benign. Last evaluated: 2026-08-01. Review status: criteria provided, single submitter. Criteria: CeGaT Center For Human Genetics Tuebingen Variant Classification Criteria Version 2. Collection method: clinical testing. Allele origin: germline. Affected: yes. Observed: 1 variant allele.
Comment: AMPD3: BP4

Illumina Laboratory Services, Illumina
Classification: Uncertain significance for Erythrocyte AMP deaminase deficiency. Last evaluated: 2018-01-12. Review status: criteria provided, single submitter. Criteria: ICSL Variant Classification Criteria 13 December 2019. Collection method: clinical testing. Allele origin: germline.

NM_001025389.2(AMPD3):c.-5-6T>G

Gene: AMPD3 (adenosine monophosphate deaminase 3; plus strand). Cytogenetic location: 11p15.4.
Variant type: single nucleotide variant.
Coding change: c.-5-6T>G on transcript NM_001025389.2 (MANE Select); 6 bases into the intron before 5 bases upstream of the start codon, T replaced by G.
Molecular consequence: intron variant.
Genome position (GRCh38, 1-based): chr11:10,461,509, T>G. VCF-style: chr11-10461509-T-G. GRCh37 (hg19) VCF-style: chr11-10483056-T-G.
Other names: c.-277-6T>G (NM_001172431.2); c.23-6T>G (NM_000480.3); c.17-6T>G (NM_001025390.2); c.-5-6T>G (NM_001172430.1).
Identifiers: ClinVar variation 302146 (VCV000302146.6), dbSNP rs540683532, ClinGen allele CA5882516.